The following is an entry in ClinVar:

NM_001281747.2(MLIP):c.1243G>A (p.Ala415Thr)

Gene: MLIP (muscular LMNA interacting protein; plus strand). Cytogenetic location: 6p12.1.
Variant type: single nucleotide variant.
Coding change: c.1243G>A on transcript NM_001281747.2 (MANE Select); coding-DNA position 1243, G replaced by A.
Protein change: p.Ala415Thr; replaces alanine 415 with threonine.
Molecular consequence: missense variant. On other transcripts: intron variant (1).
Genome position (GRCh38, 1-based): chr6:54,137,312, G>A. VCF-style: chr6-54137312-G-A. GRCh37 (hg19) VCF-style: chr6-54002110-G-A.
Other names: c.1210G>A, p.Ala404Thr (NM_001281746.2); c.613-11744G>A (NM_138569.3); short protein forms A404T, A415T.
Identifiers: ClinVar variation 4981953 (VCV004981953.1).

ClinVar aggregate classification (germline): Likely benign (1 of 4 stars; one submission).

Conditions:
MLIP-related disorder. Also called: MLIP-related condition.

Submission:

PreventionGenetics, part of Exact Sciences
Classification: Likely benign for MLIP-related condition. Last evaluated: 2025-02-21. Review status: criteria provided, single submitter. Criteria: ACMG Guidelines, 2015. Collection method: clinical testing. Allele origin: germline.
Comment: This variant is classified as likely benign based on ACMG/AMP sequence variant interpretation guidelines (Richards et al. 2015 PMID: 25741868, with internal and published modifications).